The following is an entry in ClinVar:

NM_020780.2(DISP3):c.4161C>T (p.Pro1387=)

Gene: DISP3 (dispatched RND transporter family member 3; plus strand). Cytogenetic location: 1p36.22.
Variant type: single nucleotide variant.
Coding change: c.4161C>T on transcript NM_020780.2 (MANE Select); coding-DNA position 4161, C replaced by T.
Protein change: p.Pro1387=; no amino-acid change (proline 1387 retained).
Molecular consequence: synonymous variant.
Genome position (GRCh38, 1-based): chr1:11,536,668, C>T. VCF-style: chr1-11536668-C-T. GRCh37 (hg19) VCF-style: chr1-11596725-C-T.
Identifiers: ClinVar variation 3057428 (VCV003057428.2), dbSNP rs112529124, ClinGen allele CA592663.

ClinVar aggregate classification (germline): Likely benign (0 of 4 stars; one submission).

Conditions:
DISP3-related disorder. Also called: DISP3-related condition.

Allele frequency attached by ClinVar (database versions not stated): gnomAD 0.00020; TOPMed 0.00029; 1000 Genomes Project 30x 0.00031; ExAC 0.00034; 1000 Genomes Project 0.00040.
gnomAD v4.1: 118 of 1,577,774 alleles (0.0075%); highest among the groups gnomAD compares: African/African-American, 0.057%; no homozygotes.

Submission:

PreventionGenetics, part of Exact Sciences
Classification: Likely benign for DISP3-related condition. Last evaluated: 2019-03-25. Review status: no assertion criteria provided. Collection method: clinical testing. Allele origin: germline.
Comment: This variant is classified as likely benign based on ACMG/AMP sequence variant interpretation guidelines (Richards et al. 2015 PMID: 25741868, with internal and published modifications).